The following is an entry in ClinVar:

NM_000321.3(RB1):c.505dup (p.Cys169fs)

Gene: RB1 (RB transcriptional corepressor 1; plus strand). Cytogenetic location: 13q14.2.
Variant type: Duplication.
Coding change: c.505dup on transcript NM_000321.3 (MANE Select); coding-DNA position 505, one base duplicated (T; older notation c.505dupT).
Protein change: p.Cys169fs; shifts the reading frame from cysteine 169.
Molecular consequence: frameshift variant.
Genome position (GRCh38, 1-based): chr13:48,347,829, T duplicated. VCF-style (leftmost placement, unchanged base first): chr13-48347828-A-AT. GRCh37 (hg19) VCF-style: chr13-48921964-A-AT.
Other names: c.505dup, p.Cys169fs (NM_001407165.1, NM_001407166.1); short protein forms C169fs.
Identifiers: ClinVar variation 3644694 (VCV003644694.2).

ClinVar aggregate classification (germline): Pathogenic (1 of 4 stars; one submission).

Conditions:
Retinoblastoma (RB1). Also called: RETINOBLASTOMA, SOMATIC. Identifiers: Orphanet 790, MedGen C0035335, MeSH D012175, MONDO:0008380, OMIM 180200, HP:0009919. Disease mechanism: loss of function. Inheritance: Both sporadic and heritable forms are tested..

Submission:

Labcorp Genetics (formerly Invitae), Labcorp
Classification: Pathogenic for Retinoblastoma. Last evaluated: 2024-03-06. Review status: criteria provided, single submitter. Criteria: Invitae Variant Classification Sherloc (09022015). Collection method: clinical testing. Allele origin: germline.
Comment: This sequence change creates a premature translational stop signal (p.Cys169Leufs*2) in the RB1 gene. It is expected to result in an absent or disrupted protein product. Loss-of-function variants in RB1 are known to be pathogenic (PMID: 17096365). This variant is not present in population databases (gnomAD no frequency). This premature translational stop signal has been observed in individual(s) with retinoblastoma (PMID: 33493472). For these reasons, this variant has been classified as Pathogenic.

Literature cited by the submitters: PubMed 17096365; PubMed 33493472.